The following is an entry in ClinVar:

ClinVar aggregate classification (germline): Uncertain significance (1 of 4 stars; one submission).

Conditions:
Chédiak-Higashi syndrome (CHS). Also called: Chediak-Higashi Syndrome. Identifiers: Orphanet 167, MedGen C0007965, MONDO:0008963, OMIM 214500.

gnomAD v4.1: 45 of 1,613,938 alleles (0.0028%); highest among the groups gnomAD compares: Non-Finnish European, 0.0037%; no homozygotes.

Submission:

Labcorp Genetics (formerly Invitae), Labcorp
Classification: Uncertain significance for Chédiak-Higashi syndrome. Last evaluated: 2024-11-03. Review status: criteria provided, single submitter. Criteria: Invitae Variant Classification Sherloc (09022015). Collection method: clinical testing. Allele origin: germline.
Comment: This sequence change replaces cysteine, which is neutral and slightly polar, with glycine, which is neutral and non-polar, at codon 553 of the LYST protein (p.Cys553Gly). This variant is present in population databases (rs776531402, gnomAD 0.002%). This variant has not been reported in the literature in individuals affected with LYST-related conditions. Invitae Evidence Modeling of protein sequence and biophysical properties (such as structural, functional, and spatial information, amino acid conservation, physicochemical variation, residue mobility, and thermodynamic stability) has been performed for this missense variant. However, the output from this modeling did not meet the statistical confidence thresholds required to predict the impact of this variant on LYST protein function. In summary, the available evidence is currently insufficient to determine the role of this variant in disease. Therefore, it has been classified as a Variant of Uncertain Significance.

NM_000081.4(LYST):c.1657T>G (p.Cys553Gly)

Gene: LYST (lysosomal trafficking regulator; minus strand). Cytogenetic location: 1q42.3.
Variant type: single nucleotide variant.
Coding change: c.1657T>G on transcript NM_000081.4 (MANE Select); coding-DNA position 1657, T replaced by G.
Protein change: p.Cys553Gly; replaces cysteine 553 with glycine.
Molecular consequence: missense variant.
Genome position (GRCh38, 1-based): chr1:235,809,161, A>C on the plus strand (T>G on the coding strand, the complement: LYST is on the minus strand). VCF-style: chr1-235809161-A-C. GRCh37 (hg19) VCF-style: chr1-235972461-A-C.
Other names: c.1657T>G, p.Cys553Gly (NM_001301365.1); short protein forms C553G.
Identifiers: ClinVar variation 3715843 (VCV003715843.2).
Genomic context (GRCh38, chr1:235,809,161, plus strand): 5'-TCTGGACACAAGTGCTGCTCAAGGAAGCCTGCTGTAGTAAGCGCAAGCACTGATGGGCAC[A>C]CACTGCAATGCAACAGCACCGCTCAGGATAATAAACATCTCCATCTGCAGTCTCTTCAAA-3'
Protein context (NP_000072.2, residues 543-563): YPERCCCIAV[Cys553Gly]AHQCLRLLQQ